The following is an entry in ClinVar:

ClinVar aggregate classification (germline): Uncertain significance (1 of 4 stars; one submission).

gnomAD v4.1: 3 of 1,612,672 alleles (0.00019%); highest among the groups gnomAD compares: Non-Finnish European, 0.00025%; no homozygotes.

Submission:

Mayo Clinic Laboratories, Mayo Clinic
Classification: Uncertain significance. Last evaluated: 2024-05-10. Review status: criteria provided, single submitter. Criteria: ACMG Guidelines, 2015. Collection method: clinical testing. Allele origin: germline. Observed: 1 variant allele.
Comment: PP3

NM_020435.4(GJC2):c.196G>T (p.Val66Phe)

Gene: GJC2 (gap junction protein gamma 2; plus strand). Cytogenetic location: 1q42.13.
Variant type: single nucleotide variant.
Coding change: c.196G>T on transcript NM_020435.4 (MANE Select); coding-DNA position 196, G replaced by T.
Protein change: p.Val66Phe; replaces valine 66 with phenylalanine.
Molecular consequence: missense variant.
Genome position (GRCh38, 1-based): chr1:228,157,954, G>T. VCF-style: chr1-228157954-G-T. GRCh37 (hg19) VCF-style: chr1-228345655-G-T.
Other names: p.Val66Phe; short protein forms V66F.
Identifiers: ClinVar variation 3380685 (VCV003380685.1).